The following is an entry in ClinVar:

NM_016222.4(DDX41):c.1095C>A (p.Phe365Leu)

Gene: DDX41 (DEAD-box helicase 41; minus strand). Cytogenetic location: 5q35.3.
Variant type: single nucleotide variant.
Coding change: c.1095C>A on transcript NM_016222.4 (MANE Select); coding-DNA position 1095, C replaced by A.
Protein change: p.Phe365Leu; replaces phenylalanine 365 with leucine.
Molecular consequence: missense variant.
Genome position (GRCh38, 1-based): chr5:177,513,688, G>T on the plus strand (C>A on the coding strand, the complement: DDX41 is on the minus strand). VCF-style: chr5-177513688-G-T. GRCh37 (hg19) VCF-style: chr5-176940689-G-T.
Other names: c.717C>A, p.Phe239Leu (NM_001321732.2, NM_001321830.2); short protein forms F239L, F365L.
Identifiers: ClinVar variation 4010252 (VCV004010252.1).

ClinVar aggregate classification (germline): Uncertain significance (1 of 4 stars; one submission).

Conditions:
Inborn genetic diseases. Identifiers: MedGen C0950123, MeSH D030342.

Submission:

Ambry Genetics
Classification: Uncertain significance for Inborn genetic diseases. Last evaluated: 2025-03-18. Review status: criteria provided, single submitter. Criteria: Ambry Variant Classification Scheme 2023. Collection method: clinical testing. Allele origin: germline.
Comment: The p.F365L variant (also known as c.1095C>A), located in coding exon 10 of the DDX41 gene, results from a C to A substitution at nucleotide position 1095. The phenylalanine at codon 365 is replaced by leucine, an amino acid with highly similar properties. This amino acid position is highly conserved in available vertebrate species. In addition, the in silico prediction for this alteration is inconclusive. Based on the available evidence, the clinical significance of this variant remains unclear.